The following is an entry in ClinVar:

NM_004006.3(DMD):c.5448+1G>A

Gene: DMD (dystrophin; minus strand). Cytogenetic location: Xp21.1.
Variant type: single nucleotide variant.
Coding change: c.5448+1G>A on transcript NM_004006.3 (MANE Select); the canonical splice donor site of the intron after coding-DNA position 5448, G replaced by A.
Molecular consequence: splice donor variant.
Genome position (GRCh38, 1-based): chrX:32,348,405, C>T on the plus strand (G>A on the coding strand, the complement: DMD is on the minus strand). VCF-style: chrX-32348405-C-T. GRCh37 (hg19) VCF-style: chrX-32366522-C-T.
Other names: c.5424+1G>A (NM_000109.4); c.1425+1G>A (NM_004011.4); c.1416+1G>A (NM_004012.4); c.5436+1G>A (NM_004009.3); c.5079+1G>A (NM_004010.3).
Identifiers: ClinVar variation 424045 (VCV000424045.4), dbSNP rs1064796764, ClinGen allele CA16621361.

ClinVar aggregate classification (germline): Likely pathogenic. Review status: criteria provided, multiple submitters, no conflicts (2 of 4 stars). 2 submissions from 2 submitters: Likely pathogenic (2). Last evaluated 2024-01-27.

Conditions:
Becker muscular dystrophy (BMD). Also called: MUSCULAR DYSTROPHY, PSEUDOHYPERTROPHIC PROGRESSIVE, BECKER TYPE; Becker Muscular Dystrophy (BMD). Identifiers: Orphanet 98895, MedGen C0917713, MONDO:0010311, OMIM 300376.

Submissions (2):

Baylor Genetics
Classification: Likely pathogenic for Becker muscular dystrophy. Last evaluated: 2024-01-27. Review status: criteria provided, single submitter. Criteria: ACMG Guidelines, 2015. Collection method: clinical testing. Allele origin: unknown.

GeneDx
Classification: Likely pathogenic. Last evaluated: 2017-12-15. Review status: criteria provided, single submitter. Criteria: GeneDx Variant Classification (06012015). Collection method: clinical testing. Allele origin: germline. Affected: yes.
Comment: The c.5448+1 G>A variant has not been published as a pathogenic variant, nor has it been reported as a benign variant to our knowledge. This variant is not observed in large population cohorts (Lek et al., 2016; 1000 Genomes Consortium et al., 2015; Exome Variant Server). The c.5448+1 G>A splice site variant destroys the canonical splice donor site for intron 38. It is predicted to cause abnormal gene splicing, either leading to an abnormal message that is subject to nonsense-mediated mRNA decay, or to an abnormal protein product if the message is used for protein translation. However, in the absence of RNA/functional studies the actual effect of this sequence change in this individual is unknown. Therefore, this variant is likely pathogenic; however, the possibility that it is benign cannot be excluded.